The following is an entry in ClinVar:

ClinVar aggregate classification (germline): Conflicting classifications of pathogenicity. Review status: criteria provided, conflicting classifications (1 of 4 stars). 3 submissions from 3 submitters: Uncertain significance (2); Likely benign (1). Last evaluated 2026-04-08.

Conditions:
IGHMBP2-related disorder. Also called: IGHMBP2-related condition; IGHMBP2-related disorders.
Autosomal recessive distal spinal muscular atrophy 1. Also called: HMN VI; SEVERE INFANTILE AXONAL NEUROPATHY WITH RESPIRATORY FAILURE; SPINAL MUSCULAR ATROPHY, DIAPHRAGMATIC; Spinal muscular atrophy with respiratory distress 1; NEURONOPATHY, SEVERE INFANTILE AXONAL, WITH RESPIRATORY FAILURE; NEURONOPATHY, DISTAL HEREDITARY MOTOR, HARDING TYPE VI. Identifiers: Orphanet 98920, MedGen C1858517, MONDO:0011436, OMIM 604320.
Charcot-Marie-Tooth disease axonal type 2S. Also called: CHARCOT-MARIE-TOOTH NEUROPATHY, TYPE 2S; CHARCOT-MARIE-TOOTH DISEASE, AXONAL, AUTOSOMAL RECESSIVE, TYPE 2S. Identifiers: Orphanet 443073, MedGen C4015349, MONDO:0014511, OMIM 616155.
Inborn genetic diseases. Identifiers: MedGen C0950123, MeSH D030342.

Allele frequency attached by ClinVar (database versions not stated): gnomAD exomes below 0.00001 and 0.00002; TOPMed 0.00002; gnomAD 0.00004 and 0.00003; ExAC 0.00003.
gnomAD v4.1: 8 of 1,610,696 alleles (0.0005%); highest among the groups gnomAD compares: East Asian, 0.0067%; no homozygotes.

Submissions (3):

PreventionGenetics, part of Exact Sciences
Classification: Uncertain significance for IGHMBP2-related condition. Last evaluated: 2026-04-08. Review status: criteria provided, single submitter. Criteria: ACMG Guidelines, 2015. Collection method: clinical testing. Allele origin: germline.
Comment: The IGHMBP2 c.1419G>A variant is not predicted to result in an amino acid change (p.=). This variant occurs at the first nucleotide of exon 10 and is predicted to alter splicing based on available splicing prediction programs (SpliceAI, Jaganathan et al. 2019. PubMed ID: 30661751). However, the use of computer prediction programs is not equivalent to functional evidence. To our knowledge, this variant has not been reported in the literature. This variant is reported in 0.015% of alleles in individuals of East Asian descent in gnomAD. At this time, the clinical significance of this variant is uncertain due to the absence of conclusive functional and genetic evidence.

Labcorp Genetics (formerly Invitae), Labcorp
Classification: Uncertain significance for Autosomal recessive distal spinal muscular atrophy 1; Charcot-Marie-Tooth disease axonal type 2S. Last evaluated: 2021-08-14. Review status: criteria provided, single submitter. Criteria: Invitae Variant Classification Sherloc (09022015). Collection method: clinical testing. Allele origin: germline.
Comment: This sequence change affects codon 473 of the IGHMBP2 mRNA. It is a 'silent' change, meaning that it does not change the encoded amino acid sequence of the IGHMBP2 protein. This variant is present in population databases (rs750407517, ExAC 0.03%). This variant has not been reported in the literature in individuals affected with IGHMBP2-related conditions. Algorithms developed to predict the effect of sequence changes on RNA splicing suggest that this variant is not likely to affect RNA splicing. In summary, the available evidence is currently insufficient to determine the role of this variant in disease. Therefore, it has been classified as a Variant of Uncertain Significance.

Ambry Genetics
Classification: Likely benign for Inborn genetic diseases. Last evaluated: 2020-03-20. Review status: criteria provided, single submitter. Criteria: Ambry Variant Classification Scheme 2023. Collection method: clinical testing. Allele origin: germline.

NM_002180.3(IGHMBP2):c.1419G>A (p.Arg473=)

Gene: IGHMBP2 (immunoglobulin mu DNA binding protein 2; plus strand). Cytogenetic location: 11q13.3.
Variant type: single nucleotide variant.
Coding change: c.1419G>A on transcript NM_002180.3 (MANE Select); coding-DNA position 1419, G replaced by A.
Protein change: p.Arg473=; no amino-acid change (arginine 473 retained).
Molecular consequence: synonymous variant.
Genome position (GRCh38, 1-based): chr11:68,933,795, G>A. VCF-style: chr11-68933795-G-A. GRCh37 (hg19) VCF-style: chr11-68701263-G-A.
Identifiers: ClinVar variation 1440513 (VCV001440513.8), dbSNP rs750407517, ClinGen allele CA6153642.
Genomic context (GRCh38, chr11:68,933,795, plus strand): 5'-GTGGGGCCTCAGTGCTGCACTGTGGCCCCCTGATGTGCTCCCTCTCTGCCTGTGTGCCAG[G>A]GACCTCCCAGGTGTGGCTGCCACAGAAGAGACGGGTGTGCCCCTGCTCTTGGTGGACACC-3'
Protein context (NP_002171.2, residues 463-483): AHSSVARHLL[Arg473=]DLPGVAATEE